The following is an entry in ClinVar:

ClinVar aggregate classification (germline): Uncertain significance (1 of 4 stars; one submission).

Submission:

Labcorp Genetics (formerly Invitae), Labcorp
Classification: Uncertain significance. Last evaluated: 2023-06-01. Review status: criteria provided, single submitter. Criteria: Invitae Variant Classification Sherloc (09022015). Collection method: clinical testing. Allele origin: germline.
Comment: In summary, the available evidence is currently insufficient to determine the role of this variant in disease. Therefore, it has been classified as a Variant of Uncertain Significance. Algorithms developed to predict the effect of missense changes on protein structure and function output the following: SIFT: "Not Available"; PolyPhen-2: "Possibly Damaging"; Align-GVGD: "Not Available". The glutamic acid amino acid residue is found in multiple mammalian species, which suggests that this missense change does not adversely affect protein function. This variant has not been reported in the literature in individuals affected with HPS6-related conditions. This variant is not present in population databases (gnomAD no frequency). This sequence change replaces aspartic acid, which is acidic and polar, with glutamic acid, which is acidic and polar, at codon 774 of the HPS6 protein (p.Asp774Glu).

NM_024747.6(HPS6):c.2322C>G (p.Asp774Glu)

Gene: HPS6 (HPS6 biogenesis of lysosomal organelles complex 2 subunit 3; plus strand). Cytogenetic location: 10q24.32.
Variant type: single nucleotide variant.
Coding change: c.2322C>G on transcript NM_024747.6 (MANE Select); coding-DNA position 2322, C replaced by G.
Protein change: p.Asp774Glu; replaces aspartic acid 774 with glutamic acid.
Molecular consequence: missense variant.
Genome position (GRCh38, 1-based): chr10:102,067,796, C>G. VCF-style: chr10-102067796-C-G. GRCh37 (hg19) VCF-style: chr10-103827553-C-G.
Other names: short protein forms D774E.
Identifiers: ClinVar variation 2851460 (VCV002851460.3), dbSNP rs2136335426, ClinGen allele CA377878804.
Genomic context (GRCh38, chr10:102,067,796, plus strand): 5'-AAGCCCATATGAGGACATCCTATGGGACCCCAGCACTCCACCCCCGACTCCACCTCGGGA[C>G]CTATGACTACCCTTCAGGCATCAGAACACTCAGGGCCTGGAGGCTTGCTTGGGACTGGAG-3'
Protein context (NP_079023.2, residues 764-775): PSTPPPTPPR[Asp774Glu]L